The following is an entry in ClinVar:

ClinVar aggregate classification (germline): Uncertain significance (1 of 4 stars; one submission).

gnomAD v4.1: 9 of 1,614,180 alleles (0.00056%); highest among the groups gnomAD compares: Non-Finnish European, 0.00059%; no homozygotes.

Submission:

Labcorp Genetics (formerly Invitae), Labcorp
Classification: Uncertain significance. Last evaluated: 2025-10-23. Review status: criteria provided, single submitter. Criteria: Invitae Variant Classification Sherloc (09022015). Collection method: clinical testing. Allele origin: germline.
Comment: This sequence change falls in intron 9 of the CFB gene. It does not directly change the encoded amino acid sequence of the CFB protein. It affects a nucleotide within the consensus splice site. This variant is present in population databases (no rsID available, gnomAD 0.0009%). This variant has not been reported in the literature in individuals affected with CFB-related conditions. Variants that disrupt the consensus splice site are a relatively common cause of aberrant splicing (PMID: 17576681, 9536098). Algorithms developed to predict the effect of sequence changes on RNA splicing suggest that this variant is not likely to affect RNA splicing. In summary, the available evidence is currently insufficient to determine the role of this variant in disease. Therefore, it has been classified as a Variant of Uncertain Significance.

Literature cited by the submitters: PubMed 17576681; PubMed 9536098.

NM_001710.6(CFB):c.1270+3G>T

Gene: CFB (complement factor B; plus strand). Cytogenetic location: 6p21.33.
Variant type: single nucleotide variant.
Coding change: c.1270+3G>T on transcript NM_001710.6 (MANE Select); 3 bases into the intron after coding-DNA position 1270, G replaced by T.
Molecular consequence: intron variant.
Genome position (GRCh38, 1-based): chr6:31,949,347, G>T. VCF-style: chr6-31949347-G-T. GRCh37 (hg19) VCF-style: chr6-31917124-G-T.
Identifiers: ClinVar variation 4701541 (VCV004701541.1).